The following is an entry in ClinVar:

NM_000064.4(C3):c.4405G>C (p.Val1469Leu)

Gene: C3 (complement C3; minus strand). Cytogenetic location: 19p13.3.
Variant type: single nucleotide variant.
Coding change: c.4405G>C on transcript NM_000064.4 (MANE Select); coding-DNA position 4405, G replaced by C.
Protein change: p.Val1469Leu; replaces valine 1469 with leucine.
Molecular consequence: missense variant.
Genome position (GRCh38, 1-based): chr19:6,680,209, C>G on the plus strand (G>C on the coding strand, the complement: C3 is on the minus strand). VCF-style: chr19-6680209-C-G. GRCh37 (hg19) VCF-style: chr19-6680220-C-G.
Other names: short protein forms V1469L.
Identifiers: ClinVar variation 3720092 (VCV003720092.2).
Genomic context (GRCh38, chr19:6,680,209, plus strand): 5'-GCTGCTCACCCAGGTTGTAATAGGCGTAGACCTTGACTGCTCCAGGCTGGATAAGCTCTA[C>G]ATTAAAGTATTGGTGAACTTTGAAAGCTAGACAGTCATCCTCAGAGTGTGAGACCTGAGG-3'
Protein context (NP_000055.2, residues 1459-1479): LAFKVHQYFN[Val1469Leu]ELIQPGAVKV

ClinVar aggregate classification (germline): Uncertain significance (1 of 4 stars; one submission).

Submission:

Labcorp Genetics (formerly Invitae), Labcorp
Classification: Uncertain significance. Last evaluated: 2024-12-17. Review status: criteria provided, single submitter. Criteria: Invitae Variant Classification Sherloc (09022015). Collection method: clinical testing. Allele origin: germline.
Comment: This sequence change replaces valine, which is neutral and non-polar, with leucine, which is neutral and non-polar, at codon 1469 of the C3 protein (p.Val1469Leu). This variant is not present in population databases (gnomAD no frequency). This variant has not been reported in the literature in individuals affected with C3-related conditions. Invitae Evidence Modeling of protein sequence and biophysical properties (such as structural, functional, and spatial information, amino acid conservation, physicochemical variation, residue mobility, and thermodynamic stability) indicates that this missense variant is expected to disrupt C3 protein function with a positive predictive value of 80%. In summary, the available evidence is currently insufficient to determine the role of this variant in disease. Therefore, it has been classified as a Variant of Uncertain Significance.